The following is an entry in ClinVar:

ClinVar aggregate classification (germline): Uncertain significance. Review status: criteria provided, multiple submitters, no conflicts (2 of 4 stars). 2 submissions from 2 submitters: Uncertain significance (2). Last evaluated 2025-07-02.

Conditions:
Inborn genetic diseases. Identifiers: MedGen C0950123, MeSH D030342.

Allele frequency attached by ClinVar (database versions not stated): ExAC 0.00001; gnomAD exomes 0.00001.
gnomAD v4.1: 3 of 1,614,142 alleles (0.00019%); highest among the groups gnomAD compares: East Asian, 0.0022%; no homozygotes.

Submissions (2):

Labcorp Genetics (formerly Invitae), Labcorp
Classification: Uncertain significance. Last evaluated: 2025-07-02. Review status: criteria provided, single submitter. Criteria: Invitae Variant Classification Sherloc (09022015). Collection method: clinical testing. Allele origin: germline.
Comment: This sequence change replaces histidine, which is basic and polar, with arginine, which is basic and polar, at codon 348 of the ATR protein (p.His348Arg). This variant is present in population databases (rs764447369, gnomAD 0.006%). This variant has not been reported in the literature in individuals affected with ATR-related conditions. ClinVar contains an entry for this variant (Variation ID: 1774686). An algorithm developed to predict the effect of missense changes on protein structure and function outputs the following: PolyPhen-2: "Benign". The arginine amino acid residue is found in multiple mammalian species, which suggests that this missense change does not adversely affect protein function. In summary, the available evidence is currently insufficient to determine the role of this variant in disease. Therefore, it has been classified as a Variant of Uncertain Significance.

Ambry Genetics
Classification: Uncertain significance for Inborn genetic diseases. Last evaluated: 2022-01-10. Review status: criteria provided, single submitter. Criteria: Ambry Variant Classification Scheme 2023. Collection method: clinical testing. Allele origin: germline.
Comment: The p.H348R variant (also known as c.1043A>G), located in coding exon 4 of the ATR gene, results from an A to G substitution at nucleotide position 1043. The histidine at codon 348 is replaced by arginine, an amino acid with highly similar properties. This amino acid position is conserved. In addition, this alteration is predicted to be tolerated by in silico analysis. Since supporting evidence is limited at this time, the clinical significance of this alteration remains unclear.

NM_001184.4(ATR):c.1043A>G (p.His348Arg)

Gene: ATR (ATR checkpoint kinase; minus strand). Cytogenetic location: 3q23.
Variant type: single nucleotide variant.
Coding change: c.1043A>G on transcript NM_001184.4 (MANE Select); coding-DNA position 1043, A replaced by G.
Protein change: p.His348Arg; replaces histidine 348 with arginine.
Molecular consequence: missense variant.
Genome position (GRCh38, 1-based): chr3:142,562,359, T>C on the plus strand (A>G on the coding strand, the complement: ATR is on the minus strand). VCF-style: chr3-142562359-T-C. GRCh37 (hg19) VCF-style: chr3-142281201-T-C.
Other names: c.1043A>G, p.His348Arg (NM_001354579.2); short protein forms H348R.
Identifiers: ClinVar variation 1774686 (VCV001774686.5), dbSNP rs764447369, ClinGen allele CA2650687.